The following is an entry in ClinVar:

ClinVar aggregate classification (germline): Pathogenic. Review status: criteria provided, multiple submitters, no conflicts (2 of 4 stars). 2 submissions from 2 submitters: Pathogenic (2). Last evaluated 2025-01-20.

Conditions:
Triglyceride storage disease with ichthyosis (CDS). Also called: Dorfman-Chanarin disease; ICHTHYOSIFORM ERYTHRODERMA WITH LEUKOCYTE VACUOLATION; TRIGLYCERIDE STORAGE DISEASE WITH IMPAIRED LONG-CHAIN FATTY ACID OXIDATION; Chanarin-Dorfman Syndrome. Identifiers: Orphanet 98907, MedGen C0268238, MONDO:0010155, OMIM 275630.

Allele frequency attached by ClinVar (database versions not stated): gnomAD exomes below 0.00001.
gnomAD v4.1: 1 of 1,612,694 alleles (0.000062%); highest among the groups gnomAD compares: South Asian, 0.0011%; no homozygotes.

Submissions (2):

3billion
Classification: Pathogenic for Triglyceride storage disease with ichthyosis. Last evaluated: 2025-01-20. Review status: criteria provided, single submitter. Criteria: ACMG Guidelines, 2015. Collection method: clinical testing. Allele origin: germline. Affected: yes.
Comment: The variant is observed at an extremely low frequency in the gnomAD v4.1.0 dataset (total allele frequency: <0.001%). Predicted Consequence/Location: Stop-gained (nonsense): predicted to result in a loss or disruption of normal protein function through nonsense-mediated decay (NMD) or protein truncation. Multiple pathogenic variants are reported downstream of the variant. The variant has been reported to be associated with ABHD5-related disorder (ClinVar ID: VCV002203346 /PMID: 15967942). Therefore, this variant is classified as Pathogenic according to the recommendation of ACMG/AMP guideline.

Labcorp Genetics (formerly Invitae), Labcorp
Classification: Pathogenic. Last evaluated: 2022-03-13. Review status: criteria provided, single submitter. Criteria: Invitae Variant Classification Sherloc (09022015). Collection method: clinical testing. Allele origin: germline.
Comment: For these reasons, this variant has been classified as Pathogenic. This premature translational stop signal has been observed in individual(s) with Chanarin-Dorfman syndrome (PMID: 15967942). This sequence change creates a premature translational stop signal (p.Arg234*) in the ABHD5 gene. It is expected to result in an absent or disrupted protein product. Loss-of-function variants in ABHD5 are known to be pathogenic (PMID: 11590543). This variant is not present in population databases (gnomAD no frequency).

Literature cited by the submitters: PubMed 15967942 (cited by 3billion and Labcorp Genetics (formerly Invitae), Labcorp); PubMed 11590543 (cited by Labcorp Genetics (formerly Invitae), Labcorp).

NM_016006.6(ABHD5):c.700C>T (p.Arg234Ter)

Gene: ABHD5 (abhydrolase domain containing 5, lysophosphatidic acid acyltransferase; plus strand). Cytogenetic location: 3p21.33.
Variant type: single nucleotide variant.
Coding change: c.700C>T on transcript NM_016006.6 (MANE Select); coding-DNA position 700, C replaced by T.
Protein change: p.Arg234Ter; replaces arginine 234 with a stop codon.
Molecular consequence: nonsense.
Genome position (GRCh38, 1-based): chr3:43,714,985, C>T. VCF-style: chr3-43714985-C-T. GRCh37 (hg19) VCF-style: chr3-43756477-C-T.
Other names: c.700C>T, p.Arg234Ter (NM_001355186.2, NM_001365650.1); c.577C>T, p.Arg193Ter (NM_001365649.1); short protein forms R234*, R193*.
Identifiers: ClinVar variation 2203346 (VCV002203346.5), dbSNP rs2528785198, ClinGen allele CA352347215.